The following is an entry in ClinVar:

NM_016222.4(DDX41):c.1574G>A (p.Arg525His)

Gene: DDX41 (DEAD-box helicase 41; minus strand). Cytogenetic location: 5q35.3.
Variant type: single nucleotide variant.
Coding change: c.1574G>A on transcript NM_016222.4 (MANE Select); coding-DNA position 1574, G replaced by A.
Protein change: p.Arg525His; replaces arginine 525 with histidine.
Molecular consequence: missense variant.
Genome position (GRCh38, 1-based): chr5:177,512,369, C>T on the plus strand (G>A on the coding strand, the complement: DDX41 is on the minus strand). VCF-style: chr5-177512369-C-T. GRCh37 (hg19) VCF-style: chr5-176939370-C-T.
Other names: c.1574G>A (NM_016222.3); c.1196G>A, p.Arg399His (NM_001321732.2, NM_001321830.2); short protein forms R525H, R399H.
Identifiers: ClinVar variation 224634 (VCV000224634.15), dbSNP rs869312828, ClinGen allele CA358659.

ClinVar aggregate classification (germline): Conflicting classifications of pathogenicity. Review status: criteria provided, conflicting classifications (1 of 4 stars). 7 submissions from 7 submitters: Pathogenic (1); Uncertain significance (3). 3 of the submissions do not count toward it. Last evaluated 2025-10-27.

Conditions:
Inborn genetic diseases. Identifiers: MedGen C0950123, MeSH D030342.
DDX41-related disorders.
DDX41-related hematologic malignancy predisposition syndrome. Also called: Myeloproliferative/lymphoproliferative neoplasms, familial (multiple types), susceptibility to; DDX41-Associated Familial Myelodysplastic Syndrome and Acute Myeloid Leukemia. Identifiers: Orphanet 488647, MedGen C4225174, MONDO:0014809, OMIM 616871.

Submissions (7):

Ambry Genetics
Classification: Uncertain significance for Inborn genetic diseases. Last evaluated: 2025-10-27. Review status: criteria provided, single submitter. Criteria: Ambry Variant Classification Scheme 2023. Collection method: clinical testing. Allele origin: germline.
Comment: The p.R525H variant (also known as c.1574G>A), located in coding exon 15 of the DDX41 gene, results from a G to A substitution at nucleotide position 1574. The arginine at codon 525 is replaced by histidine, an amino acid with highly similar properties. This variant was reported in individual(s) with features consistent with DDX41-related hematologic malignancy predisposition syndrome (Lewinsohn M et al. Blood, 2016 Feb;127:1017-23). In multiple assays testing DDX41 function, this variant showed functionally indeterminant results on loss-of-function or hypomorphic effects on DNA repair, ribosome biogenesis, and cell growth; however, in another assay, this variant showed a functionally normal RNA-binding result (Polprasert C et al. Cancer Cell, 2015 May;27:658-70; Kadono M et al. Exp Hematol, 2016 Aug;44:745-754.e4; Chlon TM et al. Cell Stem Cell, 2021 Nov;28:1966-1981.e6; Shinriki S et al. Leukemia, 2022 Nov;36:2605-2620; Singh RS et al. Cell Rep, 2022 May;39:110856; Chlon TM et al. Am J Hematol, 2023 Nov;98:1673-1676; Tierens A et al. Front Oncol, 2023 Jun;13:1153082; Matsui H et al. Int J Hematol, 2024 May;119:552-563; Hwang WC et al. Leukemia, 2024 Jun;38:1353-1364; Lewinsohn M et al. Blood, 2016 Feb;127:1017-23). This amino acid position is highly conserved in available vertebrate species. In addition, this alteration is predicted to be deleterious by in silico analysis. Based on the available evidence, the clinical significance of this variant remains unclear.

Labcorp Genetics (formerly Invitae), Labcorp
Classification: Uncertain significance. Last evaluated: 2025-06-01. Review status: criteria provided, single submitter. Criteria: Invitae Variant Classification Sherloc (09022015). Collection method: clinical testing. Allele origin: germline.
Comment: This sequence change replaces arginine, which is basic and polar, with histidine, which is basic and polar, at codon 525 of the DDX41 protein (p.Arg525His). This variant is not present in population databases (gnomAD no frequency). This missense change has been observed in individual(s) with leukemia (PMID: 26712909, 37665752). ClinVar contains an entry for this variant (Variation ID: 224634). An algorithm developed to predict the effect of missense changes on protein structure and function (PolyPhen-2) suggests that this variant is likely to be tolerated. Experimental studies have shown that this missense change affects DDX41 function (PMID: 25920683, 27174803, 34916496). In summary, the available evidence is currently insufficient to determine the role of this variant in disease. Therefore, it has been classified as a Variant of Uncertain Significance.

GeneDx
Classification: Uncertain significance. Last evaluated: 2025-03-24. Review status: criteria provided, single submitter. Criteria: GeneDx Variant Classification Process June 2021. Collection method: clinical testing. Allele origin: germline. Affected: yes.
Comment: Common second hit somatic variant observed in many affected individuals who also have a DDX41 germline variant (PMID: 25920683); Published functional studies are inconclusive, some suggesting that this variant by itself does not significantly affect protein translation or localization, some suggesting a possible hypomorphic effect, and some suggesting inhibition of proliferation and ATPase activity (PMID: 34473945, 26712909, 27174803); Not observed at significant frequency in large population cohorts (gnomAD); In silico analysis supports that this missense variant has a deleterious effect on protein structure/function; Observed in the germline of individuals with myelodysplastic syndrome in published literature (PMID: 37665752, 35671390, 26712909); This variant is associated with the following publications: (PMID: 26712909, 34473945, 31713024, 34349893, 27174803, 33929502, 33836623, 33585199, 33692849, 27721487, 25920683, 34644397, 37665752, 35671390, 38016923)

Blueprint Genetics
Classification: Pathogenic for DDX41-related disorders. Last evaluated: 2021-01-15. Review status: criteria provided, single submitter. Criteria: ACMG Guidelines, 2015. Collection method: clinical testing. Allele origin: germline. Affected: yes. Observed: 1 variant allele.

OMIM
Classification: risk factor for MYELOPROLIFERATIVE/LYMPHOPROLIFERATIVE NEOPLASMS, FAMILIAL (MULTIPLE TYPES), SUSCEPTIBILITY TO. Last evaluated: 2023-03-16. Review status: no assertion criteria provided. Collection method: literature only. Allele origin: unknown. Not counted in ClinVar's aggregate classification.

Clinical Genomics Labs, University Health Network
Classification: Pathogenic for DDX41-related hematologic malignancy predisposition syndrome. Last evaluated: 2022-02-17. Review status: no assertion criteria provided. Criteria: ACMG Guidelines, 2015. Collection method: clinical testing. Allele origin: germline. Affected: yes. Not counted in ClinVar's aggregate classification.

GeneReviews
No classification provided. Condition: DDX41-related hematologic malignancy predisposition syndrome. Review status: no classification provided. Collection method: literature only. Allele origin: germline. Not counted in ClinVar's aggregate classification.
Comment: Most common somatic variant; also reported in the germline [Kadono et al 2016, Lewinsohn et al 2016, Cheah et al 2017]

Literature cited by the submitters: PubMed 25920683 (cited by 3 submitters); PubMed 26712909 (cited by 4 submitters); PubMed 27174803 (cited by 3 submitters); PubMed 34473945 (cited by Ambry Genetics); PubMed 35613581 (cited by Ambry Genetics); PubMed 36229594 (cited by Ambry Genetics); PubMed 37434984 (cited by Ambry Genetics); PubMed 37705260 (cited by Ambry Genetics); PubMed 38492200 (cited by Ambry Genetics); PubMed 38514771 (cited by Ambry Genetics); PubMed 37665752 (cited by Labcorp Genetics (formerly Invitae), Labcorp); PubMed 34916496 (cited by Labcorp Genetics (formerly Invitae), Labcorp); PubMed 28547672 (cited by GeneReviews).